The following is an entry in ClinVar:

NM_015295.3(SMCHD1):c.3739G>A (p.Val1247Met)

Gene: SMCHD1 (structural maintenance of chromosomes flexible hinge domain containing 1; plus strand). Cytogenetic location: 18p11.32.
Variant type: single nucleotide variant.
Coding change: c.3739G>A on transcript NM_015295.3 (MANE Select); coding-DNA position 3739, G replaced by A.
Protein change: p.Val1247Met; replaces valine 1247 with methionine.
Molecular consequence: missense variant.
Genome position (GRCh38, 1-based): chr18:2,743,866, G>A. VCF-style: chr18-2743866-G-A. GRCh37 (hg19) VCF-style: chr18-2743864-G-A.
Other names: short protein forms V1247M.
Identifiers: ClinVar variation 3711604 (VCV003711604.2).

ClinVar aggregate classification (germline): Uncertain significance (1 of 4 stars; one submission).

Conditions:
Facioscapulohumeral muscular dystrophy 2 (FSHD2). Also called: MUSCULAR DYSTROPHY, FACIOSCAPULOHUMERAL, TYPE 1B; FACIOSCAPULOHUMERAL MUSCULAR DYSTROPHY 2, DIGENIC; FSHD2, DIGENIC. Identifiers: Orphanet 269, MedGen C1834671, MONDO:0008031, OMIM 158901.

gnomAD v4.1: 12 of 1,613,206 alleles (0.00074%); highest among the groups gnomAD compares: East Asian, 0.02%; no homozygotes.

Submission:

Labcorp Genetics (formerly Invitae), Labcorp
Classification: Uncertain significance for Facioscapulohumeral muscular dystrophy 2. Last evaluated: 2025-08-18. Review status: criteria provided, single submitter. Criteria: Invitae Variant Classification Sherloc (09022015). Collection method: clinical testing. Allele origin: germline.
Comment: This sequence change replaces valine, which is neutral and non-polar, with methionine, which is neutral and non-polar, at codon 1247 of the SMCHD1 protein (p.Val1247Met). This variant is present in population databases (rs767029395, gnomAD 0.02%). This variant has not been reported in the literature in individuals affected with SMCHD1-related conditions. ClinVar contains an entry for this variant (Variation ID: 3711604). Invitae Evidence Modeling of protein sequence and biophysical properties (such as structural, functional, and spatial information, amino acid conservation, physicochemical variation, residue mobility, and thermodynamic stability) indicates that this missense variant is not expected to disrupt SMCHD1 protein function with a negative predictive value of 80%. In summary, the available evidence is currently insufficient to determine the role of this variant in disease. Therefore, it has been classified as a Variant of Uncertain Significance.